The following is an entry in ClinVar:

ClinVar aggregate classification (germline): Uncertain significance (1 of 4 stars; one submission).

Allele frequency attached by ClinVar (database versions not stated): TOPMed below 0.00001; gnomAD 0.00001; gnomAD exomes 0.00001; ESP Exome Variant Server 0.00008.
gnomAD v4.1: 5 of 1,604,566 alleles (0.00031%); highest among the groups gnomAD compares: Non-Finnish European, 0.00043%; no homozygotes.

Submission:

Labcorp Genetics (formerly Invitae), Labcorp
Classification: Uncertain significance. Last evaluated: 2022-04-19. Review status: criteria provided, single submitter. Criteria: Invitae Variant Classification Sherloc (09022015). Collection method: clinical testing. Allele origin: germline.
Comment: In summary, the available evidence is currently insufficient to determine the role of this variant in disease. Therefore, it has been classified as a Variant of Uncertain Significance. Algorithms developed to predict the effect of missense changes on protein structure and function are either unavailable or do not agree on the potential impact of this missense change (SIFT: "Deleterious"; PolyPhen-2: "Benign"; Align-GVGD: "Class C0"). This variant has not been reported in the literature in individuals affected with IFT81-related conditions. This variant is not present in population databases (gnomAD no frequency). This sequence change replaces histidine, which is basic and polar, with tyrosine, which is neutral and polar, at codon 439 of the IFT81 protein (p.His439Tyr).

NM_014055.4(IFT81):c.1315C>T (p.His439Tyr)

Gene: IFT81 (intraflagellar transport 81; plus strand). Cytogenetic location: 12q24.11.
Variant type: single nucleotide variant.
Coding change: c.1315C>T on transcript NM_014055.4 (MANE Select); coding-DNA position 1315, C replaced by T.
Protein change: p.His439Tyr; replaces histidine 439 with tyrosine.
Molecular consequence: missense variant. On other transcripts: non-coding transcript variant (4).
Genome position (GRCh38, 1-based): chr12:110,180,548, C>T. VCF-style: chr12-110180548-C-T. GRCh37 (hg19) VCF-style: chr12-110618353-C-T.
Other names: c.1315C>T, p.His439Tyr (NM_001143779.2); c.385C>T, p.His129Tyr (NM_001347947.2, NM_001347948.2); short protein forms H129Y, H439Y.
Identifiers: ClinVar variation 1941013 (VCV001941013.3), dbSNP rs374256195, ClinGen allele CA243929772.